The following is an entry in ClinVar:

NM_001110556.2(FLNA):c.1867T>C (p.Cys623Arg)

Gene: FLNA (filamin A; minus strand). Cytogenetic location: Xq28.
Variant type: single nucleotide variant.
Coding change: c.1867T>C on transcript NM_001110556.2 (MANE Select); coding-DNA position 1867, T replaced by C.
Protein change: p.Cys623Arg; replaces cysteine 623 with arginine.
Molecular consequence: missense variant.
Genome position (GRCh38, 1-based): chrX:154,364,681, A>G on the plus strand (T>C on the coding strand, the complement: FLNA is on the minus strand). VCF-style: chrX-154364681-A-G. GRCh37 (hg19) VCF-style: chrX-153593049-A-G.
Other names: c.1867T>C, p.Cys623Arg (NM_001456.4); short protein forms C623R.
Identifiers: ClinVar variation 2944100 (VCV002944100.3), dbSNP rs2522754986, ClinGen allele CA415241944.

ClinVar aggregate classification (germline): Uncertain significance (1 of 4 stars; one submission).

Conditions:
Oto-palato-digital syndrome, type II (OPD2). Also called: FACIOPALATOOSSEOUS SYNDROME; OPD II SYNDROME; Otopalatodigital Syndrome, Type II; Otopalatodigital Syndrome Type 2 (FLNA-OPD2). Identifiers: Orphanet 669, Orphanet 90652, MedGen C1844696, MONDO:0010571, OMIM 304120.
Heterotopia, periventricular, X-linked dominant (PVNH1). Also called: PERIVENTRICULAR NODULAR HETEROTOPIA 1; X-linked periventricular heterotopia; PERIVENTRICULAR NODULAR HETEROTOPIA 4; HETEROTOPIA, PERIVENTRICULAR, 1. Identifiers: Orphanet 2149, Orphanet 82004, MedGen C1848213, MONDO:0010233, OMIM 300049.
Frontometaphyseal dysplasia (FMD1). Identifiers: Orphanet 1826, MedGen C0265293, MONDO:0015942.
Melnick-Needles syndrome (MNS). Also called: MELNICK-NEEDLES OSTEODYSPLASTY; OSTEODYSPLASTY OF MELNICK AND NEEDLES; Melnick-Needles Syndrome (FLNA-MNS). Identifiers: Orphanet 2484, MedGen C0025237, MONDO:0010650, OMIM 309350.

Allele frequency attached by ClinVar (database versions not stated): gnomAD exomes below 0.00001.
gnomAD v4.1: 1 of 1,209,492 alleles (0.000083%); highest among the groups gnomAD compares: Non-Finnish European, 0.00011%; no homozygotes.

Submission:

Labcorp Genetics (formerly Invitae), Labcorp
Classification: Uncertain significance for Oto-palato-digital syndrome, type II; Heterotopia, periventricular, X-linked dominant; Frontometaphyseal dysplasia; Melnick-Needles syndrome. Last evaluated: 2023-02-09. Review status: criteria provided, single submitter. Criteria: Invitae Variant Classification Sherloc (09022015). Collection method: clinical testing. Allele origin: germline.
Comment: This variant is not present in population databases (gnomAD no frequency). This sequence change replaces cysteine, which is neutral and slightly polar, with arginine, which is basic and polar, at codon 623 of the FLNA protein (p.Cys623Arg). This variant has not been reported in the literature in individuals affected with FLNA-related conditions. In summary, the available evidence is currently insufficient to determine the role of this variant in disease. Therefore, it has been classified as a Variant of Uncertain Significance. Advanced modeling of protein sequence and biophysical properties (such as structural, functional, and spatial information, amino acid conservation, physicochemical variation, residue mobility, and thermodynamic stability) has been performed at Invitae for this missense variant, however the output from this modeling did not meet the statistical confidence thresholds required to predict the impact of this variant on FLNA protein function.